The following is an entry in ClinVar:

ClinVar aggregate classification (germline): Uncertain significance (1 of 4 stars; one submission).

Conditions:
Early-infantile DEE. Also called: Early infantile epileptic encephalopathy; Ohtahara syndrome; Early infantile epileptic encephalopathy with suppression bursts. Identifiers: Orphanet 1934, MedGen C0393706, MONDO:0800491.

Allele frequency attached by ClinVar (database versions not stated): gnomAD exomes below 0.00001 and 0.00001; TOPMed below 0.00001; gnomAD 0.00001; ExAC 0.00002.
gnomAD v4.1: 4 of 1,614,006 alleles (0.00025%); highest among the groups gnomAD compares: South Asian, 0.0011%; no homozygotes.

Submission:

Labcorp Genetics (formerly Invitae), Labcorp
Classification: Uncertain significance for Early-infantile DEE. Last evaluated: 2018-07-12. Review status: criteria provided, single submitter. Criteria: Invitae Variant Classification Sherloc (09022015). Collection method: clinical testing. Allele origin: germline.
Comment: In summary, the available evidence is currently insufficient to determine the role of this variant in disease. Therefore, it has been classified as a Variant of Uncertain Significance. Algorithms developed to predict the effect of missense changes on protein structure and function are either unavailable or do not agree on the potential impact of this missense change (SIFT: "Deleterious"; PolyPhen-2: "Possibly Damaging"; Align-GVGD: "Class C0"). This variant has not been reported in the literature in individuals with ST3GAL3-related disease. This variant is present in population databases (rs774202202, ExAC 0.003%). This sequence change replaces serine with phenylalanine at codon 39 of the ST3GAL3 protein (p.Ser39Phe). The serine residue is weakly conserved and there is a large physicochemical difference between serine and phenylalanine.

NM_006279.5(ST3GAL3):c.116C>T (p.Ser39Phe)

Gene: ST3GAL3 (ST3 beta-galactoside alpha-2,3-sialyltransferase 3; plus strand). Cytogenetic location: 1p34.1.
Variant type: single nucleotide variant.
Coding change: c.116C>T on transcript NM_006279.5 (MANE Select); coding-DNA position 116, C replaced by T.
Protein change: p.Ser39Phe; replaces serine 39 with phenylalanine.
Molecular consequence: missense variant. On other transcripts: 5 prime UTR variant (1), non-coding transcript variant (8).
Genome position (GRCh38, 1-based): chr1:43,736,378, C>T. VCF-style: chr1-43736378-C-T. GRCh37 (hg19) VCF-style: chr1-44202049-C-T.
Other names: c.116C>T, p.Ser39Phe (NM_001270459.2, NM_001270460.2, NM_001270461.3 and 17 more transcripts); c.-338C>T (NM_001350621.2); short protein forms S39F.
Identifiers: ClinVar variation 664976 (VCV000664976.9), dbSNP rs774202202, ClinGen allele CA814478.
Genomic context (GRCh38, chr1:43,736,378, plus strand): 5'-TACTGGGATTTTTGTATTATTCTGCGTGGAAGCTACACTTACTCCAGTGGGAGGAGGACT[C>T]CAGTAAGTATAGTCACTCTAGCTCACCCCAGGAGAAGCCTGTTGCAGGTCAGTTACTGGT-3'
Protein context (NP_006270.1, residues 29-49): KLHLLQWEED[Ser39Phe]NSVVLSFDSA